The following is an entry in ClinVar:

NM_203447.4(DOCK8):c.3625G>C (p.Val1209Leu)

Gene: DOCK8 (dedicator of cytokinesis 8; plus strand). Cytogenetic location: 9p24.3.
Variant type: single nucleotide variant.
Coding change: c.3625G>C on transcript NM_203447.4 (MANE Select); coding-DNA position 3625, G replaced by C.
Protein change: p.Val1209Leu; replaces valine 1209 with leucine.
Molecular consequence: missense variant.
Genome position (GRCh38, 1-based): chr9:414,876, G>C. VCF-style: chr9-414876-G-C. GRCh37 (hg19) VCF-style: chr9-414876-G-C.
Other names: c.3325G>C, p.Val1109Leu (NM_001190458.2); c.3421G>C, p.Val1141Leu (NM_001193536.2); short protein forms V1109L, V1141L, V1209L.
Identifiers: ClinVar variation 3033954 (VCV003033954.4), dbSNP rs1370346669, ClinGen allele CA372760710.

ClinVar aggregate classification (germline): Uncertain significance. Review status: criteria provided, single submitter (1 of 4 stars). 2 submissions from 2 submitters: Uncertain significance (1). 1 of the submissions does not count toward it. Last evaluated 2024-09-03.

Conditions:
DOCK8-related disorder. Also called: DOCK8-related condition.
Combined immunodeficiency due to DOCK8 deficiency (HIES2). Also called: HIES autosomal recessive; Hyper-IgE recurrent infection syndrome, autosomal recessive; HYPER-IgE SYNDROME 2, AUTOSOMAL RECESSIVE, WITH RECURRENT INFECTIONS; DOCK8 Deficiency; HYPER-IgE RECURRENT INFECTION SYNDROME 2, AUTOSOMAL RECESSIVE. Identifiers: Orphanet 217390, MedGen C4722305, MONDO:0009478, OMIM 243700.

Allele frequency attached by ClinVar (database versions not stated): TOPMed 0.00001.
gnomAD v4.1: 2 of 1,614,080 alleles (0.00012%); highest among the groups gnomAD compares: African/African-American, 0.0027%; no homozygotes.

Submissions (2):

Labcorp Genetics (formerly Invitae), Labcorp
Classification: Uncertain significance for Combined immunodeficiency due to DOCK8 deficiency. Last evaluated: 2024-09-03. Review status: criteria provided, single submitter. Criteria: Invitae Variant Classification Sherloc (09022015). Collection method: clinical testing. Allele origin: germline.
Comment: This sequence change replaces valine, which is neutral and non-polar, with leucine, which is neutral and non-polar, at codon 1209 of the DOCK8 protein (p.Val1209Leu). This variant is not present in population databases (gnomAD no frequency). This variant has not been reported in the literature in individuals affected with DOCK8-related conditions. Invitae Evidence Modeling of protein sequence and biophysical properties (such as structural, functional, and spatial information, amino acid conservation, physicochemical variation, residue mobility, and thermodynamic stability) indicates that this missense variant is not expected to disrupt DOCK8 protein function with a negative predictive value of 80%. In summary, the available evidence is currently insufficient to determine the role of this variant in disease. Therefore, it has been classified as a Variant of Uncertain Significance.

PreventionGenetics, part of Exact Sciences
Classification: Uncertain significance for DOCK8-related condition. Last evaluated: 2023-12-28. Review status: no assertion criteria provided. Collection method: clinical testing. Allele origin: germline. Not counted in ClinVar's aggregate classification.
Comment: The DOCK8 c.3625G>C variant is predicted to result in the amino acid substitution p.Val1209Leu. To our knowledge, this variant has not been reported in the literature or in a large population database, indicating this variant is rare. At this time, the clinical significance of this variant is uncertain due to the absence of conclusive functional and genetic evidence.